The following is an entry in ClinVar:

ClinVar aggregate classification (germline): Pathogenic (1 of 4 stars; one submission).

Conditions:
Oculofaciocardiodental syndrome (MCOPS2). Identifiers: Orphanet 2712, MedGen C1846265, MONDO:0010261, OMIM 300166.

Submission:

Labcorp Genetics (formerly Invitae), Labcorp
Classification: Pathogenic for Oculofaciocardiodental syndrome. Last evaluated: 2019-01-28. Review status: criteria provided, single submitter. Criteria: Invitae Variant Classification Sherloc (09022015). Collection method: clinical testing. Allele origin: germline.
Comment: This sequence change creates a premature translational stop signal (p.Asp328Thrfs*50) in the BCOR gene. It is expected to result in an absent or disrupted protein product. This variant is not present in population databases (ExAC no frequency). This variant has not been reported in the literature in individuals with BCOR-related conditions. Loss-of-function variants in BCOR are known to be pathogenic (PMID: 15004558, 19367324). For these reasons, this variant has been classified as Pathogenic.

Literature cited by the submitters: PubMed 15004558; PubMed 19367324.

NM_001123385.2(BCOR):c.982del (p.Asp328fs)

Genes: BCOR (BCL6 corepressor; minus strand), LOC126863239 (MED14-independent group 3 enhancer GRCh37_chrX:39932994-39934193; plus strand). Cytogenetic location: Xp11.4.
Variant type: Deletion.
Coding change: c.982del on transcript NM_001123385.2 (MANE Select); coding-DNA position 982, one base deleted (G; older notation c.982delG).
Protein change: p.Asp328fs; shifts the reading frame from aspartic acid 328.
Molecular consequence: frameshift variant.
Genome position (GRCh38, 1-based): chrX:40,074,364, C deleted on the plus strand (G on the coding strand, the reverse complement: BCOR is on the minus strand); the first of 5 consecutive C bases (chrX:40,074,364-40,074,368); deleting any one gives the same sequence. VCF-style (leftmost placement, unchanged base first): chrX-40074363-TC-T. GRCh37 (hg19) VCF-style: chrX-39933616-TC-T.
Other names: c.978delG, p.Asp328Thrfs (NM_001123383.2); c.982del, p.Asp328fs (NM_001123384.2, NM_017745.6); short protein forms D328fs.
Identifiers: ClinVar variation 850635 (VCV000850635.3), dbSNP rs1935668973, ClinGen allele CA916082483.